The following is an entry in ClinVar:

ClinVar aggregate classification (germline): Conflicting classifications of pathogenicity. Review status: criteria provided, conflicting classifications (1 of 4 stars). 3 submissions from 3 submitters: Uncertain significance (2); Likely benign (1). Last evaluated 2025-05-17.

Conditions:
Inborn genetic diseases. Identifiers: MedGen C0950123, MeSH D030342.

Allele frequency attached by ClinVar (database versions not stated): gnomAD exomes 0.00003 and 0.00006; gnomAD 0.00004; ExAC 0.00005; TOPMed 0.00006; ESP Exome Variant Server 0.00008.
gnomAD v4.1: 52 of 1,613,490 alleles (0.0032%); highest among the groups gnomAD compares: South Asian, 0.0011%; no homozygotes.

Submissions (3):

Ambry Genetics
Classification: Uncertain significance for Inborn genetic diseases. Last evaluated: 2025-05-17. Review status: criteria provided, single submitter. Criteria: Ambry Variant Classification Scheme 2023. Collection method: clinical testing. Allele origin: germline.

Labcorp Genetics (formerly Invitae), Labcorp
Classification: Likely benign. Last evaluated: 2025-03-17. Review status: criteria provided, single submitter. Criteria: Invitae Variant Classification Sherloc (09022015). Collection method: clinical testing. Allele origin: germline.

GeneDx
Classification: Uncertain significance. Last evaluated: 2020-02-05. Review status: criteria provided, single submitter. Criteria: GeneDx Variant Classification Process June 2021. Collection method: clinical testing. Allele origin: germline. Affected: yes.
Comment: In silico analysis supports that this missense variant does not alter protein structure/function; Has not been previously published as pathogenic or benign to our knowledge

NM_032888.4(COL27A1):c.296C>T (p.Ala99Val)

Gene: COL27A1 (collagen type XXVII alpha 1 chain; plus strand). Cytogenetic location: 9q32.
Variant type: single nucleotide variant.
Coding change: c.296C>T on transcript NM_032888.4 (MANE Select); coding-DNA position 296, C replaced by T.
Protein change: p.Ala99Val; replaces alanine 99 with valine.
Molecular consequence: missense variant.
Genome position (GRCh38, 1-based): chr9:114,167,851, C>T. VCF-style: chr9-114167851-C-T. GRCh37 (hg19) VCF-style: chr9-116930131-C-T.
Other names: short protein forms A99V.
Identifiers: ClinVar variation 1311692 (VCV001311692.10), dbSNP rs150759476, ClinGen allele CA5201102.
Genomic context (GRCh38, chr9:114,167,851, plus strand): 5'-GGGCCCGGCTCCAGGCTCCCACGGGCACCGTCATTCCTGCCGCCTTGGGCACAGAGCTGG[C>T]ACTGGTGCTGAGCCTCTGCTCCCACCGGGTGAACCATGCCTTCCTCTTCGCTGTCCGCAG-3'
Protein context (NP_116277.2, residues 89-109): VIPAALGTEL[Ala99Val]LVLSLCSHRV